The following is an entry in ClinVar:

ClinVar aggregate classification (germline): Pathogenic. Review status: criteria provided, multiple submitters, no conflicts (2 of 4 stars). 2 submissions from 2 submitters: Pathogenic (2). Last evaluated 2024-10-18.

Conditions:
Sifrim-Hitz-Weiss syndrome (SIHIWES). Also called: SIFRIM-HITZ-WEISS MULTIPLE CONGENITAL ANOMALIES-MENTAL RETARDATION SYNDROME; CHD4 Neurodevelopmental Disorder. Identifiers: Orphanet 653712, MedGen C4310688, MONDO:0014946, OMIM 617159.

Submissions (2):

GeneDx
Classification: Pathogenic. Last evaluated: 2024-10-18. Review status: criteria provided, single submitter. Criteria: GeneDx Variant Classification Process June 2021. Collection method: clinical testing. Allele origin: germline.
Comment: In silico analysis supports that this missense variant has a deleterious effect on protein structure/function; Not observed at significant frequency in large population cohorts (gnomAD); This variant is associated with the following publications: (PMID: 31388190)

Victorian Clinical Genetics Services, Murdoch Childrens Research Institute
Classification: Pathogenic for Sifrim-Hitz-Weiss syndrome. Last evaluated: 2022-03-31. Review status: criteria provided, single submitter. Criteria: ACMG Guidelines, 2015. Collection method: clinical testing. Allele origin: germline. Inheritance: Autosomal dominant inheritance. Affected: yes.
Comment: Based on the classification scheme VCGS_Germline_v1.3.4, this variant is classified as Pathogenic. Following criteria are met: 0102 - Loss of function is a known mechanism of disease in this gene and is associated with Sifrim-Hitz-Weiss syndrome (MIM#617159). (I) 0107 - This gene is associated with autosomal dominant disease. (I) 0115 - Variants in this gene are known to have variable expressivity (PMID: 31388190). (I) 0200 - Variant is predicted to result in a missense amino acid change from arginine to cysteine. (I) 0251 - This variant is heterozygous. (I) 0301 - Variant is absent from gnomAD (both v2 and v3). (SP) 0309 - An alternative amino acid change at the same position has been observed in gnomAD (v3) (1 heterozygote, 0 homozygotes). (I) 0501 - Missense variant consistently predicted to be damaging by multiple in silico tools or highly conserved with a major amino acid change. (SP) 0603 - Missense variant in a region that is highly intolerant to missense variation (high constraint region in DECIPHER). (SP) 0710 - Another missense variant comparable to the one identified in this case has inconclusive previous evidence for pathogenicity. p.(Arg1340His) was observed in one individual with syndromic intellectual disability. This variant was found to be de novo in this individual but was classified as a VUS (DECIPHER). (I) 0803 - This variant has limited previous evidence of pathogenicity in an unrelated individual with developmental delay (PMID: 31388190). (SP) 0905 - No published segregation evidence has been identified for this variant. (I) 1002 - This variant has moderate functional evidence supporting abnormal protein function. A restriction enzyme assay has shown that this variant significantly decreases nucleosome remodelling by CHD4 (PMID: 31388190). (SP) Legend: (SP) - Supporting pathogenic, (I) - Information, (SB) - Supporting benign

Literature cited by the submitters: PubMed 31388190 (cited by Victorian Clinical Genetics Services, Murdoch Childrens Research Institute).

NM_001273.5(CHD4):c.4018C>T (p.Arg1340Cys)

Genes: CHD4 (chromodomain helicase DNA binding protein 4; minus strand), CHD4-AS1 (CHD4 antisense RNA 1; plus strand). Cytogenetic location: 12p13.31.
Variant type: single nucleotide variant.
Coding change: c.4018C>T on transcript NM_001273.5 (MANE Select); coding-DNA position 4018, C replaced by T.
Protein change: p.Arg1340Cys; replaces arginine 1340 with cysteine.
Molecular consequence: missense variant.
Genome position (GRCh38, 1-based): chr12:6,583,240, G>A on the plus strand (C>T on the coding strand, the complement: CHD4 is on the minus strand). VCF-style: chr12-6583240-G-A. GRCh37 (hg19) VCF-style: chr12-6692406-G-A.
Other names: c.4018C>T (NM_001273.2); c.3997C>T, p.Arg1333Cys (NM_001297553.2); c.3979C>T, p.Arg1327Cys (NM_001363606.2); short protein forms R1327C, R1333C, R1340C.
Identifiers: ClinVar variation 1805406 (VCV001805406.4), dbSNP rs2540383441, ClinGen allele CA383577176.
Genomic context (GRCh38, chr12:6,583,240, plus strand): 5'-GGGGCCGGCCACACACACCTCGGTCCTCCTGGGAGCCATCATTGTAGTTGACCTGTTTAC[G>A]GATTCTTTTTCCTTTGCCCAGATTTCGGGCTAGATCTTCTTGCTGCTGCTCATAATGGTG-3'
Protein context (NP_001264.2, residues 1330-1350): ARNLGKGKRI[Arg1340Cys]KQVNYNDGSQ